The following is an entry in ClinVar:

ClinVar aggregate classification (germline): Uncertain significance. Review status: criteria provided, multiple submitters, no conflicts (2 of 4 stars). 2 submissions from 2 submitters: Uncertain significance (2). Last evaluated 2022-04-18.

Allele frequency attached by ClinVar (database versions not stated): TOPMed 0.00001.
gnomAD v4.1: 1 of 1,608,438 alleles (0.000062%); highest among the groups gnomAD compares: Non-Finnish European, 0.000085%; no homozygotes.

Submissions (2):

GeneDx
Classification: Uncertain significance. Last evaluated: 2022-04-18. Review status: criteria provided, single submitter. Criteria: GeneDx Variant Classification Process June 2021. Collection method: clinical testing. Allele origin: germline. Affected: yes.
Comment: Not observed at significant frequency in large population cohorts (gnomAD); In silico analysis supports that this missense variant has a deleterious effect on protein structure/function; Has not been previously published as pathogenic or benign to our knowledge

Labcorp Genetics (formerly Invitae), Labcorp
Classification: Uncertain significance. Last evaluated: 2021-11-27. Review status: criteria provided, single submitter. Criteria: Invitae Variant Classification Sherloc (09022015). Collection method: clinical testing. Allele origin: germline.
Comment: This variant has not been reported in the literature in individuals affected with ITPR1-related conditions. In summary, the available evidence is currently insufficient to determine the role of this variant in disease. Therefore, it has been classified as a Variant of Uncertain Significance. Algorithms developed to predict the effect of missense changes on protein structure and function are either unavailable or do not agree on the potential impact of this missense change (SIFT: "Deleterious"; PolyPhen-2: "Possibly Damaging"; Align-GVGD: "Class C0"). This variant is not present in population databases (gnomAD no frequency). This sequence change replaces glycine, which is neutral and non-polar, with aspartic acid, which is acidic and polar, at codon 1195 of the ITPR1 protein (p.Gly1195Asp).

NM_001378452.1(ITPR1):c.3656G>A (p.Gly1219Asp)

Gene: ITPR1 (inositol 1,4,5-trisphosphate receptor type 1; plus strand). Cytogenetic location: 3p26.1.
Variant type: single nucleotide variant.
Coding change: c.3656G>A on transcript NM_001378452.1 (MANE Select); coding-DNA position 3656, G replaced by A.
Protein change: p.Gly1219Asp; replaces glycine 1219 with aspartic acid.
Molecular consequence: missense variant.
Genome position (GRCh38, 1-based): chr3:4,685,160, G>A. VCF-style: chr3-4685160-G-A. GRCh37 (hg19) VCF-style: chr3-4726844-G-A.
Other names: c.3629G>A, p.Gly1210Asp (NM_001099952.4); c.3611G>A, p.Gly1204Asp (NM_001168272.2); c.3584G>A, p.Gly1195Asp (NM_002222.7); short protein forms G1219D, G1195D, G1204D, G1210D.
Identifiers: ClinVar variation 1505911 (VCV001505911.7), dbSNP rs1374546397, ClinGen allele CA351651641.